The following is an entry in ClinVar:

ClinVar aggregate classification (germline): Likely benign (1 of 4 stars; one submission).

Allele frequency attached by ClinVar (database versions not stated): 1000 Genomes Project 0.00839; 1000 Genomes Project 30x 0.00874; gnomAD 0.00933; TOPMed 0.01028.

Submission:

GeneDx
Classification: Likely benign. Last evaluated: 2021-02-19. Review status: criteria provided, single submitter. Criteria: GeneDx Variant Classification Process June 2021. Collection method: clinical testing. Allele origin: germline. Affected: yes.
Comment: See Variant Classification Assertion Criteria.

NM_004343.4(CALR):c.398-157C>G

Genes: CALR (calreticulin; plus strand), LOC126862861 (MED14-independent group 3 enhancer GRCh37_chr19:13050707-13051906; plus strand). Cytogenetic location: 19p13.13.
Variant type: single nucleotide variant.
Coding change: c.398-157C>G on transcript NM_004343.4 (MANE Select); 157 bases into the intron before coding-DNA position 398, C replaced by G.
Molecular consequence: intron variant.
Genome position (GRCh38, 1-based): chr19:12,939,896, C>G. VCF-style: chr19-12939896-C-G. GRCh37 (hg19) VCF-style: chr19-13050710-C-G.
Identifiers: ClinVar variation 1707162 (VCV001707162.2), dbSNP rs114680213, ClinGen allele CA305514705.
Genomic context (GRCh38, chr19:12,939,896, plus strand): 5'-GAGGATTTTGAGTTCTAGAGCACTGATTTTTTTTTTTTCTCCTTTAAACTTAAGGCTCCA[C>G]CCACAGCCCATTCAGGACAGAATCAGGGTCTGAGTTTCTCTTCTCAGCCTTGACAGACCC-3'